The following is an entry in ClinVar:

ClinVar aggregate classification (germline): Uncertain significance (1 of 4 stars; one submission).

Conditions:
LRRC45-related disorder. Also called: LRRC45-related condition.

gnomAD v4.1: 104 of 1,612,168 alleles (0.0065%); highest among the groups gnomAD compares: Non-Finnish European, 0.0081%; no homozygotes.

Submission:

PreventionGenetics, part of Exact Sciences
Classification: Uncertain significance for LRRC45-related condition. Last evaluated: 2026-01-02. Review status: criteria provided, single submitter. Criteria: ACMG Guidelines, 2015. Collection method: clinical testing. Allele origin: germline.
Comment: The LRRC45 c.1126-9G>A variant is predicted to interfere with splicing. This variant is predicted to impact splicing based on available splicing prediction programs (SpliceAI, Jaganathan et al. 2019. PubMed ID: 30661751); however, the use of computer prediction programs is not equivalent to functional evidence. To our knowledge, this variant has not been reported in the literature. This variant is reported in 0.013% of alleles in individuals of European (non-Finnish) descent in gnomAD. At this time, the clinical significance of this variant is uncertain due to the absence of conclusive functional and genetic evidence.

NM_144999.4(LRRC45):c.1126-9G>A

Gene: LRRC45 (leucine rich repeat containing 45; plus strand). Cytogenetic location: 17q25.3.
Variant type: single nucleotide variant.
Coding change: c.1126-9G>A on transcript NM_144999.4 (MANE Select); 9 bases into the intron before coding-DNA position 1126, G replaced by A.
Molecular consequence: intron variant.
Genome position (GRCh38, 1-based): chr17:82,028,388, G>A. VCF-style: chr17-82028388-G-A. GRCh37 (hg19) VCF-style: chr17-79986264-G-A.
Identifiers: ClinVar variation 3350862 (VCV003350862.2).
Genomic context (GRCh38, chr17:82,028,388, plus strand): 5'-GAGCCAGGGAGCCCAGGGTGGGCGCGGCAGGGCTGGGCTGCAGCTTCCCTCCCTGGTGCC[G>A]GCTTTCAGGTAGACGAGTTGGAGCGGAAGTTCAGGTGTCAGCAGGAGCAGCTGTTCCAGA-3'